The following is an entry in ClinVar:

NM_006015.6(ARID1A):c.483CGC[2] (p.Ala166_Ala167del)

Gene: ARID1A (AT-rich interaction domain 1A; plus strand). Cytogenetic location: 1p36.11.
Variant type: Microsatellite.
Coding change: c.483CGC[2] on transcript NM_006015.6 (MANE Select); two copies in a row of the 3-base unit CGC starting at c.483; the reference has four copies in a row; two copies, 6 bases deleted.
Protein change: p.Ala166_Ala167del.
Molecular consequence: inframe deletion.
Genome position (GRCh38, 1-based): chr1:26,696,892-26,696,897, CGCCGC deleted; deleting any 6 consecutive bases within chr1:26,696,886-26,696,897 gives the same sequence; the position shown is the placement nearest the transcript's 3' end. VCF-style (leftmost placement, unchanged base first): chr1-26696885-TCGCCGC-T. GRCh37 (hg19) VCF-style: chr1-27023376-TCGCCGC-T.
Other names: c.483CGC[2], p.Ala166_Ala167del (NM_139135.4).
Identifiers: ClinVar variation 2706677 (VCV002706677.3), dbSNP rs759913677, ClinGen allele CA706601.

ClinVar aggregate classification (germline): Uncertain significance (1 of 4 stars; one submission).

Submission:

Labcorp Genetics (formerly Invitae), Labcorp
Classification: Uncertain significance. Last evaluated: 2025-05-22. Review status: criteria provided, single submitter. Criteria: Invitae Variant Classification Sherloc (09022015). Collection method: clinical testing. Allele origin: germline.
Comment: This variant, c.489_494del, results in the deletion of 2 amino acid(s) of the ARID1A protein (p.Ala166_Ala167del), but otherwise preserves the integrity of the reading frame. This variant is present in population databases (rs759913677, gnomAD 0.06%). This variant has been observed in individual(s) with clinical features of Coffin-Siris syndrome (PMID: 35801292). Experimental studies and prediction algorithms are not available or were not evaluated, and the functional significance of this variant is currently unknown. In summary, the available evidence is currently insufficient to determine the role of this variant in disease. Therefore, it has been classified as a Variant of Uncertain Significance.

Literature cited by the submitters: PubMed 35801292.